The following is an entry in ClinVar:

NM_000302.4(PLOD1):c.823C>G (p.Arg275Gly)

Gene: PLOD1 (procollagen-lysine,2-oxoglutarate 5-dioxygenase 1; plus strand). Cytogenetic location: 1p36.22.
Variant type: single nucleotide variant.
Coding change: c.823C>G on transcript NM_000302.4 (MANE Select); coding-DNA position 823, C replaced by G.
Protein change: p.Arg275Gly; replaces arginine 275 with glycine.
Molecular consequence: missense variant.
Genome position (GRCh38, 1-based): chr1:11,957,923, C>G. VCF-style: chr1-11957923-C-G. GRCh37 (hg19) VCF-style: chr1-12017980-C-G.
Other names: c.964C>G, p.Arg322Gly (NM_001316320.2); short protein forms R275G, R322G.
Identifiers: ClinVar variation 4862067 (VCV004862067.1).

ClinVar aggregate classification (germline): Uncertain significance (1 of 4 stars; one submission).

Conditions:
Familial thoracic aortic aneurysm and aortic dissection (TAAD). Also called: Thoracic aortic aneurysms and dissections. Identifiers: Orphanet 91387, MedGen C4707243, MONDO:0019625.

Submission:

Ambry Genetics
Classification: Uncertain significance for Familial thoracic aortic aneurysm and aortic dissection. Last evaluated: 2026-05-14. Review status: criteria provided, single submitter. Criteria: Ambry Variant Classification Scheme 2023. Collection method: clinical testing. Allele origin: germline.
Comment: The p.R275G variant (also known as c.823C>G), located in coding exon 8 of the PLOD1 gene, results from a C to G substitution at nucleotide position 823. The arginine at codon 275 is replaced by glycine, an amino acid with dissimilar properties. This amino acid position is conserved. In addition, the in silico prediction for this alteration is inconclusive. Based on the available evidence, the clinical significance of this variant remains unclear.